The following is an entry in ClinVar:

ClinVar aggregate classification (germline): Uncertain significance. Review status: criteria provided, multiple submitters, no conflicts (2 of 4 stars). 2 submissions from 2 submitters: Uncertain significance (2). Last evaluated 2024-06-21.

Conditions:
Hereditary cancer-predisposing syndrome. Also called: Neoplastic Syndromes, Hereditary; Tumor predisposition; Hereditary neoplastic syndrome; Hereditary Cancer Syndrome. Identifiers: Orphanet 140162, MedGen C0027672, MeSH D009386, MONDO:0015356.
DICER1-related tumor predisposition. Also called: DICER1-related pleuropulmonary blastoma cancer predisposition syndrome; DICER1 syndrome. Identifiers: Orphanet 284343, MedGen C3839822, MONDO:0100216.

Submissions (2):

Ambry Genetics
Classification: Uncertain significance for Hereditary cancer-predisposing syndrome. Last evaluated: 2024-06-21. Review status: criteria provided, single submitter. Criteria: Ambry Variant Classification Scheme 2023. Collection method: clinical testing. Allele origin: germline.
Comment: The p.S248A variant (also known as c.742T>G), located in coding exon 6 of the DICER1 gene, results from a T to G substitution at nucleotide position 742. The serine at codon 248 is replaced by alanine, an amino acid with similar properties. This amino acid position is conserved. In addition, this alteration is predicted to be tolerated by in silico analysis. Based on the available evidence, the clinical significance of this variant remains unclear.

Labcorp Genetics (formerly Invitae), Labcorp
Classification: Uncertain significance for DICER1-related tumor predisposition. Last evaluated: 2024-02-17. Review status: criteria provided, single submitter. Criteria: Invitae Variant Classification Sherloc (09022015). Collection method: clinical testing. Allele origin: germline.
Comment: This sequence change replaces serine, which is neutral and polar, with alanine, which is neutral and non-polar, at codon 248 of the DICER1 protein (p.Ser248Ala). This variant is not present in population databases (gnomAD no frequency). This variant has not been reported in the literature in individuals affected with DICER1-related conditions. ClinVar contains an entry for this variant (Variation ID: 2201523). Advanced modeling of protein sequence and biophysical properties (such as structural, functional, and spatial information, amino acid conservation, physicochemical variation, residue mobility, and thermodynamic stability) performed at Invitae indicates that this missense variant is not expected to disrupt DICER1 protein function with a negative predictive value of 80%. In summary, the available evidence is currently insufficient to determine the role of this variant in disease. Therefore, it has been classified as a Variant of Uncertain Significance.

NM_177438.3(DICER1):c.742T>G (p.Ser248Ala)

Gene: DICER1 (dicer 1, ribonuclease III; minus strand). Cytogenetic location: 14q32.13.
Variant type: single nucleotide variant.
Coding change: c.742T>G on transcript NM_177438.3 (MANE Select); coding-DNA position 742, T replaced by G.
Protein change: p.Ser248Ala; replaces serine 248 with alanine.
Molecular consequence: missense variant. On other transcripts: 5 prime UTR variant (1), non-coding transcript variant (6).
Genome position (GRCh38, 1-based): chr14:95,126,741, A>C on the plus strand (T>G on the coding strand, the complement: DICER1 is on the minus strand). VCF-style: chr14-95126741-A-C. GRCh37 (hg19) VCF-style: chr14-95593078-A-C.
Other names: c.742T>G, p.Ser248Ala (NM_001195573.1, NM_001271282.3, NM_001291628.2 and 15 more transcripts); c.460T>G, p.Ser154Ala (NM_001395686.1); c.337T>G, p.Ser113Ala (NM_001395687.1, NM_001395688.1, NM_001395689.1 and 3 more transcripts); c.175T>G, p.Ser59Ala (NM_001395691.1); c.-827T>G (NM_001395697.1); short protein forms S154A, S59A, S113A, S248A.
Identifiers: ClinVar variation 2201523 (VCV002201523.5), dbSNP rs759633210, ClinGen allele CA390887930.